The following is an entry in ClinVar:

ClinVar aggregate classification (germline): Uncertain significance (1 of 4 stars; one submission).

Conditions:
Mitochondrial DNA depletion syndrome, encephalomyopathic form with methylmalonic aciduria (MTDPS5). Also called: MITOCHONDRIAL DNA DEPLETION SYNDROME, ENCEPHALOMYOPATHIC FORM, WITH OR WITHOUT METHYLMALONIC ACIDURIA, AUTOSOMAL RECESSIVE, SUCLA2-RELATED; Mitochondrial DNA depletion syndrome 5 (encephalomyopathic with or without methylmalonic aciduria); SUCLA2-Related Mitochondrial DNA Depletion Syndrome, Encephalomyopathic Form with Methylmalonic Aciduria; Mitochondrial encephalomyopathy aminoacidopathy. Identifiers: Orphanet 1933, MedGen C5980207, MONDO:0012791, OMIM 612073.

Submission:

Labcorp Genetics (formerly Invitae), Labcorp
Classification: Uncertain significance for Mitochondrial DNA depletion syndrome, encephalomyopathic form with methylmalonic aciduria. Last evaluated: 2020-12-23. Review status: criteria provided, single submitter. Criteria: Invitae Variant Classification Sherloc (09022015). Collection method: clinical testing. Allele origin: germline.
Comment: In summary, the available evidence is currently insufficient to determine the role of this variant in disease. Therefore, it has been classified as a Variant of Uncertain Significance. Nucleotide substitutions within the consensus splice site are a relatively common cause of aberrant splicing (PMID: 17576681, 9536098). Algorithms developed to predict the effect of sequence changes on RNA splicing suggest that this variant is not likely to affect RNA splicing, but this prediction has not been confirmed by published transcriptional studies. This variant has not been reported in the literature in individuals with SUCLA2-related conditions. This variant is not present in population databases (ExAC no frequency). This sequence change falls in intron 4 of the SUCLA2 gene. It does not directly change the encoded amino acid sequence of the SUCLA2 protein. It affects a nucleotide within the consensus splice site of the intron.

Literature cited by the submitters: PubMed 17576681; PubMed 9536098.

NM_003850.3(SUCLA2):c.535-3C>T

Gene: SUCLA2 (succinate-CoA ligase ADP-forming subunit beta; minus strand). Cytogenetic location: 13q14.2.
Variant type: single nucleotide variant.
Coding change: c.535-3C>T on transcript NM_003850.3 (MANE Select); 3 bases into the intron before coding-DNA position 535, C replaced by T.
Molecular consequence: intron variant.
Genome position (GRCh38, 1-based): chr13:47,973,395, G>A on the plus strand (C>T on the coding strand, the complement: SUCLA2 is on the minus strand). VCF-style: chr13-47973395-G-A. GRCh37 (hg19) VCF-style: chr13-48547530-G-A.
Identifiers: ClinVar variation 1423581 (VCV001423581.6), dbSNP rs867170752, ClinGen allele CA249270119.
Genomic context (GRCh38, chr13:47,973,395, plus strand): 5'-CAGCAGCAACATCTTCAATGTTGACACCACCATGTGAACTTCCTATTAATACAGGACCCT[G>A]GCAAGGGAAGTAAACAACCAAAACTCTAGATTTATTTTAGACTCATCAATGAAACTTTAA-3'